The following is an entry in ClinVar:

ClinVar aggregate classification (germline): Conflicting classifications of pathogenicity. Review status: criteria provided, conflicting classifications (1 of 4 stars). 3 submissions from 3 submitters: Uncertain significance (2); Likely benign (1). Last evaluated 2025-02-17.

Allele frequency attached by ClinVar (database versions not stated): gnomAD 0.00001; gnomAD exomes 0.00001 and 0.00002; TOPMed 0.00001; ExAC 0.00003; 1000 Genomes Project 30x 0.00016; 1000 Genomes Project 0.00020.
gnomAD v4.1: 21 of 1,595,798 alleles (0.0013%); highest among the groups gnomAD compares: African/African-American, 0.012%; no homozygotes.

Submissions (3):

Labcorp Genetics (formerly Invitae), Labcorp
Classification: Uncertain significance. Last evaluated: 2025-02-17. Review status: criteria provided, single submitter. Criteria: Invitae Variant Classification Sherloc (09022015). Collection method: clinical testing. Allele origin: germline.
Comment: This sequence change replaces arginine, which is basic and polar, with serine, which is neutral and polar, at codon 346 of the RIMS1 protein (p.Arg346Ser). This variant is present in population databases (rs535650527, gnomAD 0.01%). This variant has not been reported in the literature in individuals affected with RIMS1-related conditions. ClinVar contains an entry for this variant (Variation ID: 1492355). An algorithm developed to predict the effect of missense changes on protein structure and function outputs the following: PolyPhen-2: "Benign". The serine amino acid residue is found in multiple mammalian species, which suggests that this missense change does not adversely affect protein function. In summary, the available evidence is currently insufficient to determine the role of this variant in disease. Therefore, it has been classified as a Variant of Uncertain Significance.

Ambry Genetics
Classification: Uncertain significance. Last evaluated: 2024-02-28. Review status: criteria provided, single submitter. Criteria: Ambry Variant Classification Scheme 2023. Collection method: clinical testing. Allele origin: germline.

Blueprint Genetics
Classification: Likely benign. Last evaluated: 2023-01-03. Review status: criteria provided, single submitter. Criteria: ACMG Guidelines, 2015. Collection method: clinical testing. Allele origin: germline.

NM_014989.7(RIMS1):c.1038A>C (p.Arg346Ser)

Gene: RIMS1 (regulating synaptic membrane exocytosis 1; plus strand). Cytogenetic location: 6q13.
Variant type: single nucleotide variant.
Coding change: c.1038A>C on transcript NM_014989.7 (MANE Select); coding-DNA position 1038, A replaced by C.
Protein change: p.Arg346Ser; replaces arginine 346 with serine.
Molecular consequence: missense variant.
Genome position (GRCh38, 1-based): chr6:72,182,509, A>C. VCF-style: chr6-72182509-A-C. GRCh37 (hg19) VCF-style: chr6-72892212-A-C.
Other names: c.1038A>C (NM_014989.4); short protein forms R346S.
Identifiers: ClinVar variation 1492355 (VCV001492355.8), dbSNP rs535650527, ClinGen allele CA3885639.
Genomic context (GRCh38, chr6:72,182,509, plus strand): 5'-TTACCCAGACACGCCGGAAAAACGGGATGAGGGCAAAGCGGCGGATGAGGAAAAGCAAAG[A>C]AAAGAGGAGGATTATCAGACCAGGTACCGCAGCGACCCGAACCTAGCTCGGTACCCGGTG-3'
Protein context (NP_055804.2, residues 336-356): EGKAADEEKQ[Arg346Ser]KEEDYQTRYR